The following is an entry in ClinVar:

ClinVar aggregate classification (germline): Benign/Likely benign. Review status: criteria provided, multiple submitters, no conflicts (2 of 4 stars). 4 submissions from 4 submitters: Benign (2); Likely benign (1). 1 of the submissions does not count toward it. Last evaluated 2025-09-21.

Conditions:
ELMOD3-related disorder. Also called: ELMOD3-related condition.

Allele frequency attached by ClinVar (database versions not stated): gnomAD exomes 0.00022 and 0.00045; ExAC 0.00058; ESP Exome Variant Server 0.00154; gnomAD 0.00180 and 0.00195; 1000 Genomes Project 30x 0.00187; 1000 Genomes Project 0.00200; TOPMed 0.00209.
gnomAD v4.1: 614 of 1,614,148 alleles (0.038%); highest among the groups gnomAD compares: African/African-American, 0.67%; 2 homozygotes.

Submissions (4):

Labcorp Genetics (formerly Invitae), Labcorp
Classification: Benign. Last evaluated: 2025-09-21. Review status: criteria provided, single submitter. Criteria: Invitae Variant Classification Sherloc (09022015). Collection method: clinical testing. Allele origin: germline.

Blueprint Genetics
Classification: Likely benign. Last evaluated: 2024-09-13. Review status: criteria provided, single submitter. Criteria: ACMG Guidelines, 2015. Collection method: clinical testing. Allele origin: germline.

GeneDx
Classification: Benign. Last evaluated: 2018-09-06. Review status: criteria provided, single submitter. Criteria: GeneDx Variant Classification Process June 2021. Collection method: clinical testing. Allele origin: germline. Affected: yes.

PreventionGenetics, part of Exact Sciences
Classification: Likely benign for ELMOD3-related condition. Last evaluated: 2019-10-02. Review status: no assertion criteria provided. Collection method: clinical testing. Allele origin: germline. Not counted in ClinVar's aggregate classification.
Comment: This variant is classified as likely benign based on ACMG/AMP sequence variant interpretation guidelines (Richards et al. 2015 PMID: 25741868, with internal and published modifications).

NM_001135022.2(ELMOD3):c.397G>A (p.Ala133Thr)

Gene: ELMOD3 (ELMO domain containing 3; plus strand). Cytogenetic location: 2p11.2.
Variant type: single nucleotide variant.
Coding change: c.397G>A on transcript NM_001135022.2 (MANE Select); coding-DNA position 397, G replaced by A.
Protein change: p.Ala133Thr; replaces alanine 133 with threonine.
Molecular consequence: missense variant. On other transcripts: non-coding transcript variant (3).
Genome position (GRCh38, 1-based): chr2:85,371,122, G>A. VCF-style: chr2-85371122-G-A. GRCh37 (hg19) VCF-style: chr2-85598245-G-A.
Other names: c.397G>A (NM_001135021.1); c.397G>A, p.Ala133Thr (NM_001135021.2, NM_001135023.2, NM_001329791.2 and 2 more transcripts); short protein forms A133T.
Identifiers: ClinVar variation 1268898 (VCV001268898.12), dbSNP rs145555897, ClinGen allele CA1740325.